The following is an entry in ClinVar:

ClinVar aggregate classification (germline): Benign/Likely benign. Review status: criteria provided, multiple submitters, no conflicts (2 of 4 stars). 3 submissions from 3 submitters: Benign (2); Likely benign (1). Last evaluated 2026-08-21.

Conditions:
ARHGEF10-related disorder. Also called: ARHGEF10-related condition.
Autosomal dominant slowed nerve conduction velocity. Identifiers: Orphanet 140481, MedGen C1842357, MONDO:0011998, OMIM 608236.

Allele frequency attached by ClinVar (database versions not stated): gnomAD exomes 0.00011 and 0.00030; 1000 Genomes Project 30x 0.00031; ExAC 0.00033; 1000 Genomes Project 0.00040; gnomAD 0.00076 and 0.00082; TOPMed 0.00094; ESP Exome Variant Server 0.00108.
gnomAD v4.1: 278 of 1,613,024 alleles (0.017%); highest among the groups gnomAD compares: African/African-American, 0.25%; no homozygotes.

Submissions (3):

PreventionGenetics, part of Exact Sciences
Classification: Likely benign for ARHGEF10-related condition. Last evaluated: 2026-08-21. Review status: criteria provided, single submitter. Criteria: ACMG Guidelines, 2015. Collection method: clinical testing. Allele origin: germline.
Comment: This variant is classified as likely benign based on ACMG/AMP sequence variant interpretation guidelines (Richards et al. 2015 PMID: 25741868, with internal and published modifications).

Labcorp Genetics (formerly Invitae), Labcorp
Classification: Benign. Last evaluated: 2025-12-17. Review status: criteria provided, single submitter. Criteria: Invitae Variant Classification Sherloc (09022015). Collection method: clinical testing. Allele origin: germline.

ARUP Laboratories, Molecular Genetics and Genomics, ARUP Laboratories
Classification: Benign for Autosomal dominant slowed nerve conduction velocity. Last evaluated: 2018-08-09. Review status: criteria provided, single submitter. Criteria: ARUP Molecular Germline Variant Investigation Process. Collection method: clinical testing. Allele origin: germline.

NM_014629.4(ARHGEF10):c.474C>T (p.Asp158=)

Gene: ARHGEF10 (Rho guanine nucleotide exchange factor 10; plus strand). Cytogenetic location: 8p23.3.
Variant type: single nucleotide variant.
Coding change: c.474C>T on transcript NM_014629.4 (MANE Select); coding-DNA position 474, C replaced by T.
Protein change: p.Asp158=; no amino-acid change (aspartic acid 158 retained).
Molecular consequence: synonymous variant.
Genome position (GRCh38, 1-based): chr8:1,860,177, C>T. VCF-style: chr8-1860177-C-T. GRCh37 (hg19) VCF-style: chr8-1808343-C-T.
Other names: c.474C>T, p.Asp158= (NM_001308153.3, NM_001308152.2).
Identifiers: ClinVar variation 726311 (VCV000726311.16), dbSNP rs147914724, ClinGen allele CA4599769.
Genomic context (GRCh38, chr8:1,860,177, plus strand): 5'-CCTGCCCCTCCTGCTGCCCGCCTACTCCAGCCCGGTCATCATCTGCGCCACGTCCCTGGA[C>T]GAAGAAGGTACTGCTACCCTCCTCTCCACGCCCCCGAAGTGGCCTGTGGTTCCCTCCTCT-3'
Protein context (NP_055444.2, residues 148-168): SPVIICATSL[Asp158=]EEETPEVTED